The following is an entry in ClinVar:

ClinVar aggregate classification (germline): Uncertain significance (1 of 4 stars; one submission).

Submission:

GeneDx
Classification: Uncertain significance. Last evaluated: 2023-06-04. Review status: criteria provided, single submitter. Criteria: GeneDx Variant Classification Process June 2021. Collection method: clinical testing. Allele origin: germline. Affected: yes.
Comment: Reported as heterozygous in a non-obese adult individual with polyuria, fatigue, and visual changes with a past medical history of hypertension and a clinical diagnosis of maturity onset diabetes of the young (MODY) (Mangrum et al., 2015); Nonsense variant predicted to result in protein truncation as the last 52 amino acids are replaced by 1 incorrect amino acid, although loss-of-function variants have not been reported downstream of this position in the protein; Not observed at significant frequency in large population cohorts (gnomAD); This variant is associated with the following publications: (PMID: 26543388)

NM_000209.4(PDX1):c.694_697delinsAGCT (p.Gly232_Glu233delinsSerTer)

Gene: PDX1 (pancreatic and duodenal homeobox 1; plus strand). Cytogenetic location: 13q12.2.
Variant type: Indel.
Coding change: c.694_697delinsAGCT on transcript NM_000209.4 (MANE Select); coding-DNA positions 694 to 697, GGCG replaced by AGCT.
Protein change: p.Gly232_Glu233delinsSerTer.
Molecular consequence: nonsense.
Genome position (GRCh38, 1-based): chr13:27,924,543-27,924,546, GGCG replaced by AGCT. VCF-style: chr13-27924543-GGCG-AGCT. GRCh37 (hg19) VCF-style: chr13-28498680-GGCG-AGCT.
Identifiers: ClinVar variation 2504962 (VCV002504962.1), dbSNP rs2500206887, ClinGen allele CA2580614637.